The following is an entry in ClinVar:

NM_014714.4(IFT140):c.98C>G (p.Ala33Gly)

Genes: IFT140 (intraflagellar transport 140; minus strand), LOC105371046 (uncharacterized LOC105371046; plus strand). Cytogenetic location: 16p13.3.
Variant type: single nucleotide variant.
Coding change: c.98C>G on transcript NM_014714.4 (MANE Select); coding-DNA position 98, C replaced by G.
Protein change: p.Ala33Gly; replaces alanine 33 with glycine.
Molecular consequence: missense variant.
Genome position (GRCh38, 1-based): chr16:1,607,169, G>C on the plus strand (C>G on the coding strand, the complement: IFT140 is on the minus strand). VCF-style: chr16-1607169-G-C. GRCh37 (hg19) VCF-style: chr16-1657170-G-C.
Other names: short protein forms A33G.
Identifiers: ClinVar variation 3376917 (VCV003376917.1).

ClinVar aggregate classification (germline): Uncertain significance (1 of 4 stars; one submission).

Conditions:
Renal cyst. Also called: Cystic kidney disease; Renal cysts; cystic kidneys. Identifiers: MedGen C3887499, MONDO:0002473, HP:0000107.

Submission:

Victorian Clinical Genetics Services, Murdoch Childrens Research Institute
Classification: Uncertain significance for Renal cyst. Last evaluated: 2023-12-20. Review status: criteria provided, single submitter. Criteria: ACMG Guidelines, 2015. Collection method: clinical testing. Allele origin: germline. Inheritance: Autosomal dominant inheritance. Affected: yes.
Comment: Based on the classification scheme VCGS_Germline_v1.3.4, this variant is classified as VUS-3B. Following criteria are met: 0102 - Loss of function is a known mechanism of disease in this gene and is associated with retinitis pigmentosa 80 (MIM#617781), short-rib thoracic dysplasia 9 with or without polydactyly (MIM#266920) and cystic kidney disease (MONDO#0002473), IFT140-related (PMID: 34890546). (I) 0108 - This gene is associated with both recessive and dominant disease. Retinitis pigmentosa 80 (MIM#617781) and short-rib thoracic dysplasia 9 with or without polydactyly (MIM#266920) are inherited in an autosomal recessive manner, while cystic kidney disease (MONDO#0002473), IFT140-related is inherited in an autosomal dominant manner (OMIM, PMID: 34890546) . (I) 0200 - Variant is predicted to result in a missense amino acid change from alanine to glycine. (I) 0251 - This variant is heterozygous. (I) 0301 - Variant is absent from gnomAD (both v2 and v3). (SP) 0309 - An alternative amino acid change at the same position has been observed in gnomAD (v2) (p.(Ala33Thr): 1 heterozygote, 0 homozygotes). (I) 0502 - Missense variant with conflicting in silico predictions and uninformative conservation. (I) 0604 - Variant is not located in an established domain, motif, hotspot or informative constraint region. (I) 0710 - Another missense variant comparable to the one identified in this case has inconclusive previous evidence for pathogenicity. The p.(Ala33Thr) variant has been classified once as a VUS (ClinVar). (I) 0807 - This variant has no previous evidence of pathogenicity. (I) 0905 - No published segregation evidence has been identified for this variant. (I) 1007 - No published functional evidence has been identified for this variant. (I) 1208 - Inheritance information for this variant is not currently available in this individual. (I) Legend: (SP) - Supporting pathogenic, (I) - Information, (SB) - Supporting benign

Literature cited by the submitters: PubMed 34890546.